The following is an entry in ClinVar:

ClinVar aggregate classification (germline): Uncertain significance (1 of 4 stars; one submission).

Allele frequency attached by ClinVar (database versions not stated): gnomAD exomes 0.00001; gnomAD 0.00002.
gnomAD v4.1: 16 of 1,605,328 alleles (0.001%); highest among the groups gnomAD compares: East Asian, 0.0022%; no homozygotes.

Submission:

Labcorp Genetics (formerly Invitae), Labcorp
Classification: Uncertain significance. Last evaluated: 2022-06-10. Review status: criteria provided, single submitter. Criteria: Invitae Variant Classification Sherloc (09022015). Collection method: clinical testing. Allele origin: germline.
Comment: This sequence change replaces proline, which is neutral and non-polar, with leucine, which is neutral and non-polar, at codon 312 of the SPEG protein (p.Pro312Leu). The frequency data for this variant in the population databases is considered unreliable, as metrics indicate poor data quality at this position in the gnomAD database. This variant has not been reported in the literature in individuals affected with SPEG-related conditions. Algorithms developed to predict the effect of missense changes on protein structure and function (SIFT, PolyPhen-2, Align-GVGD) all suggest that this variant is likely to be tolerated. In summary, the available evidence is currently insufficient to determine the role of this variant in disease. Therefore, it has been classified as a Variant of Uncertain Significance.

NM_005876.5(SPEG):c.935C>T (p.Pro312Leu)

Gene: SPEG (striated muscle enriched protein kinase; plus strand). Cytogenetic location: 2q35.
Variant type: single nucleotide variant.
Coding change: c.935C>T on transcript NM_005876.5 (MANE Select); coding-DNA position 935, C replaced by T.
Protein change: p.Pro312Leu; replaces proline 312 with leucine.
Molecular consequence: missense variant.
Genome position (GRCh38, 1-based): chr2:219,448,093, C>T. VCF-style: chr2-219448093-C-T. GRCh37 (hg19) VCF-style: chr2-220312815-C-T.
Other names: short protein forms P312L.
Identifiers: ClinVar variation 2062955 (VCV002062955.1), dbSNP rs1306948946, ClinGen allele CA350716370.
Genomic context (GRCh38, chr2:219,448,093, plus strand): 5'-GCGAAGCCCCACGCCGCCCTGCCCAGCCGCCTCCTTCCAAATCCGCGCTGCTCCCCCCAC[C>T]GTCCCCTCGGGTCGGGAAGCGGTCCCCGCCGGGACCCCCGGCCCAGCCCGCGGCCACCCC-3'
Protein context (NP_005867.3, residues 302-322): PPSKSALLPP[Pro312Leu]SPRVGKRSPP